The following is an entry in ClinVar:

ClinVar aggregate classification (germline): Pathogenic (1 of 4 stars; one submission).

Conditions:
Neurodevelopmental disorder with or without hyperkinetic movements and seizures, autosomal dominant. Also called: Intellectual disability, autosomal dominant 8. Identifiers: MedGen C3280282, MONDO:0013655, OMIM 614254.

Allele frequency attached by ClinVar (database versions not stated): gnomAD 0.00001.
gnomAD v4.1: 1 of 1,613,224 alleles (0.000062%); highest among the groups gnomAD compares: Non-Finnish European, 0.000085%; no homozygotes.

Submission:

Labcorp Genetics (formerly Invitae), Labcorp
Classification: Pathogenic for Neurodevelopmental disorder with or without hyperkinetic movements and seizures, autosomal dominant. Last evaluated: 2023-07-21. Review status: criteria provided, single submitter. Criteria: Invitae Variant Classification Sherloc (09022015). Collection method: clinical testing. Allele origin: germline.
Comment: For these reasons, this variant has been classified as Pathogenic. This sequence change creates a premature translational stop signal (p.Gln357*) in the GRIN1 gene. It is expected to result in an absent or disrupted protein product. Loss-of-function variants in GRIN1 are known to be pathogenic (PMID: 27164704, 35393335). This variant is not present in population databases (gnomAD no frequency). This variant has not been reported in the literature in individuals affected with GRIN1-related conditions. ClinVar contains an entry for this variant (Variation ID: 1922738).

Literature cited by the submitters: PubMed 27164704; PubMed 35393335.

NM_007327.4(GRIN1):c.1069C>T (p.Gln357Ter)

Gene: GRIN1 (glutamate ionotropic receptor NMDA type subunit 1; plus strand). Cytogenetic location: 9q34.3.
Variant type: single nucleotide variant.
Coding change: c.1069C>T on transcript NM_007327.4 (MANE Select); coding-DNA position 1069, C replaced by T.
Protein change: p.Gln357Ter; replaces glutamine 357 with a stop codon.
Molecular consequence: nonsense.
Genome position (GRCh38, 1-based): chr9:137,158,479, C>T. VCF-style: chr9-137158479-C-T. GRCh37 (hg19) VCF-style: chr9-140052931-C-T.
Other names: c.1069C>T, p.Gln357Ter (NM_000832.7, NM_021569.4); c.1132C>T, p.Gln378Ter (NM_001185090.2, NM_001185091.2); short protein forms Q378*, Q357*.
Identifiers: ClinVar variation 1922738 (VCV001922738.5), dbSNP rs1833357461, ClinGen allele CA375715511.